The following is an entry in ClinVar:

NM_000038.6(APC):c.1401T>C (p.Asn467=)

Gene: APC (APC regulator of Wnt signaling pathway; plus strand). Cytogenetic location: 5q22.2.
Variant type: single nucleotide variant.
Coding change: c.1401T>C on transcript NM_000038.6 (MANE Select); coding-DNA position 1401, T replaced by C.
Protein change: p.Asn467=; no amino-acid change (asparagine 467 retained).
Molecular consequence: synonymous variant. On other transcripts: non-coding transcript variant (2).
Genome position (GRCh38, 1-based): chr5:112,821,984, T>C. VCF-style: chr5-112821984-T-C. GRCh37 (hg19) VCF-style: chr5-112157681-T-C.
Other names: c.1401T>C, p.Asn467= (NM_001127510.3, NM_001354895.2, NM_001354896.2 and 4 more transcripts); c.1347T>C, p.Asn449= (NM_001127511.3); c.1431T>C, p.Asn477= (NM_001354897.2, NM_001407446.1); c.1326T>C, p.Asn442= (NM_001354898.2, NM_001407451.1); c.1317T>C, p.Asn439= (NM_001354899.2, NM_001407452.1); c.1224T>C, p.Asn408= (NM_001354900.2, NM_001354901.2, NM_001407453.1); c.1128T>C, p.Asn376= (NM_001354902.2); c.1098T>C, p.Asn366= (NM_001354903.2, NM_001407454.1, NM_001407455.1 and 5 more transcripts); and 5 more.
Identifiers: ClinVar variation 3148735 (VCV003148735.1), dbSNP rs2149792799, ClinGen allele CA445755881.

ClinVar aggregate classification (germline): Benign (1 of 4 stars; one submission).

Conditions:
Familial adenomatous polyposis 1 (FAP1). Also called: POLYPOSIS, ADENOMATOUS INTESTINAL; FAMILIAL ADENOMATOUS POLYPOSIS 1, ATTENUATED. Identifiers: MedGen C2713442, MONDO:0021056, OMIM 175100. Disease mechanism: loss of function.

Submission:

Myriad Genetics, Inc.
Classification: Benign for Familial adenomatous polyposis 1. Last evaluated: 2024-03-01. Review status: criteria provided, single submitter. Criteria: Myriad Autosomal Dominant, Autosomal Recessive and X-Linked Classification Criteria (2023). Collection method: clinical testing. Allele origin: unknown.
Comment: This variant is considered benign. This variant is a silent/synonymous amino acid change and it is not expected to impact splicing.